The following is an entry in ClinVar:

ClinVar aggregate classification (germline): Uncertain significance (1 of 4 stars; one submission).

Conditions:
Autosomal recessive limb-girdle muscular dystrophy type 2J (LGMDR10). Also called: Limb-girdle muscular dystrophy, type 2J; MUSCULAR DYSTROPHY, LIMB-GIRDLE, AUTOSOMAL RECESSIVE 10. Identifiers: Orphanet 140922, MedGen C1837342, MONDO:0012127, OMIM 608807.
Dilated cardiomyopathy 1G (CMD1G). Identifiers: Orphanet 154, MedGen C1858763, MONDO:0011400, OMIM 604145.

Submission:

Labcorp Genetics (formerly Invitae), Labcorp
Classification: Uncertain significance for Dilated cardiomyopathy 1G; Autosomal recessive limb-girdle muscular dystrophy type 2J. Last evaluated: 2025-08-11. Review status: criteria provided, single submitter. Criteria: Invitae Variant Classification Sherloc (09022015). Collection method: clinical testing. Allele origin: germline.
Comment: This sequence change falls in intron 231 of the TTN gene. It does not directly change the encoded amino acid sequence of the TTN protein. It affects a nucleotide within the consensus splice site. This variant is not present in population databases (gnomAD no frequency). This variant has not been reported in the literature in individuals affected with TTN-related conditions. Variants that disrupt the consensus splice site are a relatively common cause of aberrant splicing (PMID: 17576681, 9536098). Algorithms developed to predict the effect of sequence changes on RNA splicing suggest that this variant may disrupt the consensus splice site. This variant is located in the I band of TTN (PMID: 25589632). Non-truncating variants in this region may be clinically relevant, but have not been definitively shown to cause cardiomyopathy or neuromuscular disease (PMID: 27493940, 32778822). In summary, the available evidence is currently insufficient to determine the role of this variant in disease. Therefore, it has been classified as a Variant of Uncertain Significance.

Literature cited by the submitters: PubMed 17576681; PubMed 9536098; PubMed 25589632; PubMed 27493940; PubMed 32778822.

NM_001267550.2(TTN):c.42682+4A>G

Gene: TTN (titin; minus strand). Cytogenetic location: 2q31.2.
Variant type: single nucleotide variant.
Coding change: c.42682+4A>G on transcript NM_001267550.2 (MANE Select); 4 bases into the intron after coding-DNA position 42682, A replaced by G.
Molecular consequence: intron variant.
Genome position (GRCh38, 1-based): chr2:178,633,813, T>C on the plus strand (A>G on the coding strand, the complement: TTN is on the minus strand). VCF-style: chr2-178633813-T-C. GRCh37 (hg19) VCF-style: chr2-179498540-T-C.
Other names: c.15487+4A>G (NM_003319.4); c.16063+4A>G (NM_133437.4); c.15862+4A>G (NM_133432.3); c.34978+4A>G (NM_133378.4); c.37759+4A>G (NM_001256850.1).
Identifiers: ClinVar variation 4785844 (VCV004785844.1).